The following is an entry in ClinVar:

NC_012920.1(MT-ND1):m.3313A>G

Gene: MT-ND1 (mitochondrially encoded NADH dehydrogenase 1; plus strand).
Variant type: single nucleotide variant.
Genome position: chrM-3313-A-G.
Identifiers: ClinVar variation 692331 (VCV000692331.1), dbSNP rs1603218891, ClinGen allele CA414772518.

ClinVar aggregate classification (germline): Uncertain significance (1 of 4 stars; one submission).

Conditions:
Leigh syndrome (NULS). Also called: Leigh's necrotizing encephalopathy; Leigh's disease; Leigh Syndrome (mtDNA deletion); Leigh Disease; Subacute necrotizing encephalopathy; Necrotizing encephalopathy infantile subacute of Leigh. Identifiers: Orphanet 506, MedGen C2931891, MONDO:0009723, OMIM 256000.

Submission:

Wong Mito Lab, Molecular and Human Genetics, Baylor College of Medicine
Classification: Uncertain significance for Leigh syndrome. Last evaluated: 2019-10-17. Review status: criteria provided, single submitter. Criteria: Modified ACMG Guidelines (Unpublished). Collection method: clinical testing. Allele origin: germline.
Comment: The NC_012920.1:m.3313A>G (YP_003024026.1:p.Met3Val) variant in MTND1 gene is interpretated to be a Uncertain Significance variant based on the modified ACMG guidelines (unpublished). This variant meets the following evidence codes: BP4, PP7